The following is an entry in ClinVar:

ClinVar aggregate classification (germline): Pathogenic. Review status: criteria provided, multiple submitters, no conflicts (2 of 4 stars). 6 submissions from 6 submitters: Pathogenic (6). Last evaluated 2024-01-31.

Conditions:
Mucopolysaccharidosis, MPS-IV-A (MPS4A). Also called: Mucopolysaccharidosis type IV A; Mucopolysaccharidosis Type IVA; Morquio syndrome A, mild; MORQUIO SYNDROME A; MPS IVA; mucopolysaccharidosis type 4A. Identifiers: Orphanet 309297, Orphanet 582, MedGen C0086651, MONDO:0009659, OMIM 253000.

Allele frequency attached by ClinVar (database versions not stated): gnomAD 0.00001; gnomAD exomes 0.00001; ExAC 0.00002.
gnomAD v4.1: 3 of 1,612,922 alleles (0.00019%); highest among the groups gnomAD compares: South Asian, 0.0022%; no homozygotes.

Submissions (6):

Labcorp Genetics (formerly Invitae), Labcorp
Classification: Pathogenic for Mucopolysaccharidosis, MPS-IV-A. Last evaluated: 2024-01-31. Review status: criteria provided, single submitter. Criteria: Invitae Variant Classification Sherloc (09022015). Collection method: clinical testing. Allele origin: germline.
Comment: This sequence change creates a premature translational stop signal (p.Gln414*) in the GALNS gene. It is expected to result in an absent or disrupted protein product. Loss-of-function variants in GALNS are known to be pathogenic (PMID: 12442278). This variant is present in population databases (rs757870208, gnomAD 0.003%). This premature translational stop signal has been observed in individual(s) with Morquio A (PMID: 24726177). ClinVar contains an entry for this variant (Variation ID: 1048350). For these reasons, this variant has been classified as Pathogenic.

Foundation for Research in Genetics and Endocrinology, FRIGE's Institute of Human Genetics
Classification: Pathogenic for Mucopolysaccharidosis, MPS-IV-A. Last evaluated: 2023-06-26. Review status: criteria provided, single submitter. Criteria: ACMG Guidelines, 2015. Collection method: clinical testing. Allele origin: germline. Inheritance: Autosomal recessive inheritance. Affected: yes. Observed: 1 homozygote.
Comment: A homozygous nonsense variant in exon 11 of the GALNS gene that results in a stop codon and premature truncation of the protein at codon 414 (p.Gln414Ter) was detected. This variant has not been reported in the 1000 genomes and has a MAF of 0.0008% in the gnomAD database. The in-silico predictions of the variant is damaging by MutationTaster2. In summary the variant meets our criteria to be classified as pathogenic

Revvity Omics, Revvity
Classification: Pathogenic for Mucopolysaccharidosis, MPS-IV-A. Last evaluated: 2022-05-02. Review status: criteria provided, single submitter. Criteria: ACMG Guidelines, 2015. Collection method: clinical testing. Allele origin: germline.

Genome-Nilou Lab
Classification: Pathogenic for Mucopolysaccharidosis, MPS-IV-A. Last evaluated: 2021-11-07. Review status: criteria provided, single submitter. Criteria: ACMG Guidelines, 2015. Collection method: clinical testing. Allele origin: germline. Affected: no.

Centre for Inherited Metabolic Diseases, Karolinska University Hospital
Classification: Pathogenic for Mucopolysaccharidosis, MPS-IV-A. Last evaluated: 2021-04-07. Review status: criteria provided, single submitter. Criteria: ACMG Guidelines, 2015. Collection method: clinical testing. Allele origin: germline. Inheritance: Autosomal recessive inheritance. Affected: yes. Observed: 1 compound heterozygote.

Laboratory of Diagnosis and Therapy of Lysosomal Disorders, University of Padova
Classification: Pathogenic for Mucopolysaccharidosis, MPS-IV-A. Last evaluated: 2021-02-01. Review status: criteria provided, single submitter. Criteria: ACMG Guidelines, 2015. Collection method: curation. Allele origin: germline. Affected: yes.
Comment: Nonsense variant (PVS1_very strong); in vivo functional studies supportive of a damaging effect on the gene product (low to null enzymatic activity in homozygotes; PS3_supporting); the prevalence of the variant in affected individuals is significantly increased compared with the prevalence in controls (PS4_moderate); very low frequency in gnomAD v2.1.1 (PM2_moderate)

Literature cited by the submitters: PubMed 12442278 (cited by Labcorp Genetics (formerly Invitae), Labcorp); PubMed 24726177 (cited by Labcorp Genetics (formerly Invitae), Labcorp and Laboratory of Diagnosis and Therapy of Lysosomal Disorders, University of Padova); PubMed 25252036 (cited by Laboratory of Diagnosis and Therapy of Lysosomal Disorders, University of Padova); PubMed 34387910 (cited by Laboratory of Diagnosis and Therapy of Lysosomal Disorders, University of Padova).

NM_000512.5(GALNS):c.1240C>T (p.Gln414Ter)

Gene: GALNS (galactosamine (N-acetyl)-6-sulfatase; minus strand). Cytogenetic location: 16q24.3.
Variant type: single nucleotide variant.
Coding change: c.1240C>T on transcript NM_000512.5 (MANE Select); coding-DNA position 1240, C replaced by T.
Protein change: p.Gln414Ter; replaces glutamine 414 with a stop codon.
Molecular consequence: nonsense.
Genome position (GRCh38, 1-based): chr16:88,824,769, G>A on the plus strand (C>T on the coding strand, the complement: GALNS is on the minus strand). VCF-style: chr16-88824769-G-A. GRCh37 (hg19) VCF-style: chr16-88891177-G-A.
Other names: p.Gln414Ter; c.685C>T, p.Gln229Ter (NM_001323543.2); c.1258C>T, p.Gln420Ter (NM_001323544.2); short protein forms Q229*, Q414*, Q420*.
Identifiers: ClinVar variation 1048350 (VCV001048350.15), dbSNP rs757870208, ClinGen allele CA8234772.